The following is an entry in ClinVar:

NM_000059.4(BRCA2):c.6815_6816del (p.Arg2272fs)

Gene: BRCA2 (BRCA2 DNA repair associated; plus strand). Cytogenetic location: 13q13.1.
Variant type: Deletion.
Coding change: c.6815_6816del on transcript NM_000059.4 (MANE Select); coding-DNA positions 6815 to 6816, 2 bases deleted (GA; older notation c.6815_6816delGA).
Protein change: p.Arg2272fs; shifts the reading frame from arginine 2272.
Molecular consequence: frameshift variant.
Genome position (GRCh38, 1-based): chr13:32,341,170-32,341,171, GA deleted; deleting any 2 consecutive bases within chr13:32,341,169-32,341,171 gives the same sequence; the c. name uses the placement nearest the transcript's 3' end. VCF-style (leftmost placement, unchanged base first): chr13-32341168-AAG-A. GRCh37 (hg19) VCF-style: chr13-32915305-AAG-A.
Other names: 7043delGA; c.6815_6816delGA (NM_000059.3); short protein forms R2272fs.
Identifiers: ClinVar variation 252425 (VCV000252425.8), dbSNP rs879255310, ClinGen allele CA10585897.

ClinVar aggregate classification (germline): Pathogenic. Review status: reviewed by expert panel (3 of 4 stars). 5 submissions from 5 submitters: Pathogenic (1). 4 of the submissions do not count toward it. Last evaluated 2016-10-18.

Conditions:
Hereditary cancer-predisposing syndrome. Also called: Tumor predisposition; Hereditary Cancer Syndrome; Neoplastic Syndromes, Hereditary; Hereditary neoplastic syndrome. Identifiers: Orphanet 140162, MedGen C0027672, MeSH D009386, MONDO:0015356.
Hereditary breast ovarian cancer syndrome. Also called: Hereditary breast and ovarian cancer; Breast and ovarian cancer; Hereditary breast and/or ovarian cancer syndrome; BRCA1- and BRCA2-Associated Hereditary Breast and Ovarian Cancer; Hereditary breast and ovarian cancer syndrome; Hereditary breast and ovarian cancer syndrome (HBOC). Identifiers: Orphanet 145, MedGen C0677776, MeSH D061325, MONDO:0003582. Disease mechanism: loss of function.
Breast-ovarian cancer, familial, susceptibility to, 2 (BROVCA2). Also called: BRCA2 Hereditary Breast and Ovarian Cancer. Identifiers: Orphanet 145, MedGen C2675520, MONDO:0012933, OMIM 612555. Disease mechanism: loss of function.

Submissions (5):

Evidence-based Network for the Interpretation of Germline Mutant Alleles (ENIGMA)
Classification: Pathogenic for Breast-ovarian cancer, familial, susceptibility to, 2. Last evaluated: 2016-10-18. Review status: reviewed by expert panel. Criteria: ENIGMA BRCA1/2 Classification Criteria (2015). Collection method: curation. Allele origin: germline.
Comment: Variant allele predicted to encode a truncated non-functional protein.

Ambry Genetics
Classification: Pathogenic for Hereditary cancer-predisposing syndrome. Last evaluated: 2025-11-12. Review status: criteria provided, single submitter. Criteria: Ambry Variant Classification Scheme 2023. Collection method: clinical testing. Allele origin: germline. Not counted in ClinVar's aggregate classification.
Comment: The c.6815_6816delGA pathogenic mutation, located in coding exon 10 of the BRCA2 gene, results from a deletion of two nucleotides at nucleotide positions 6815 to 6816, causing a translational frameshift with a predicted alternate stop codon (p.R2272Kfs*20). This variant is considered to be rare based on population cohorts in the Genome Aggregation Database (gnomAD). This alteration is expected to result in loss of function by premature protein truncation or nonsense-mediated mRNA decay. As such, this alteration is interpreted as a disease-causing mutation.

GeneKor MSA
Classification: Pathogenic for Hereditary breast ovarian cancer syndrome. Last evaluated: 2025-05-15. Review status: criteria provided, single submitter. Criteria: ACMG Guidelines, 2015. Collection method: clinical testing. Allele origin: germline. Affected: yes. Not counted in ClinVar's aggregate classification.
Comment: This sequence change deletes two base in exon 11 of the BRCA2mRNA c.(6815_6816del), causing a frameshift after codon 2272. This creates a premature translational stop signal 20 amino acid residues later p.(Arg2272Lysfs*20) and is expected to result in an absent or disrupted protein product. Truncating variants in BRCA2 are known to be pathogenic (PMID:20104584). This variant is not present in population databases (rs879255310,ExAC no frequency). The mutation database ClinVar contains entries for this variant where it is listed as pathogenic (VCV000252425.6). Based on the classification criteria set by the ACMG and AMP (PMID:25741868) this variant has been classified as Pathogenic.

Quest Diagnostics Nichols Institute San Juan Capistrano
Classification: Pathogenic for Breast-ovarian cancer, familial, susceptibility to, 2. Last evaluated: 2015-12-02. Review status: criteria provided, single submitter. Criteria: Quest Diagnostics criteria. Collection method: clinical testing. Allele origin: germline. Inheritance: Autosomal dominant inheritance. Not counted in ClinVar's aggregate classification.

Consortium of Investigators of Modifiers of BRCA1/2 (CIMBA), c/o University of Cambridge
Classification: Pathogenic for Breast-ovarian cancer, familial, susceptibility to, 2. Last evaluated: 2015-10-02. Review status: criteria provided, single submitter. Criteria: CIMBA Mutation Classification guidelines May 2016. Collection method: clinical testing. Allele origin: germline. Not counted in ClinVar's aggregate classification.

Literature cited by the submitters: PubMed 20104584 (cited by GeneKor MSA); PubMed 24728189 (cited by Quest Diagnostics Nichols Institute San Juan Capistrano); PubMed 26295337 (cited by Quest Diagnostics Nichols Institute San Juan Capistrano).